The following is an entry in ClinVar:

ClinVar aggregate classification (germline): Uncertain significance (1 of 4 stars; one submission).

Allele frequency attached by ClinVar (database versions not stated): gnomAD exomes below 0.00001.
gnomAD v4.1: 1 of 1,614,176 alleles (0.000062%); highest among the groups gnomAD compares: Non-Finnish European, 0.000085%; no homozygotes.

Submission:

GeneDx
Classification: Uncertain significance. Last evaluated: 2022-03-22. Review status: criteria provided, single submitter. Criteria: GeneDx Variant Classification Process June 2021. Collection method: clinical testing. Allele origin: germline. Affected: yes.
Comment: Not observed at significant frequency in large population cohorts (gnomAD); In silico analysis supports that this missense variant has a deleterious effect on protein structure/function; In silico analysis supports a deleterious effect on splicing; Has not been previously published as pathogenic or benign to our knowledge

NM_206933.4(USH2A):c.12266A>T (p.Glu4089Val)

Gene: USH2A (usherin; minus strand). Cytogenetic location: 1q41.
Variant type: single nucleotide variant.
Coding change: c.12266A>T on transcript NM_206933.4 (MANE Select); coding-DNA position 12266, A replaced by T.
Protein change: p.Glu4089Val; replaces glutamic acid 4089 with valine.
Molecular consequence: missense variant.
Genome position (GRCh38, 1-based): chr1:215,680,177, T>A on the plus strand (A>T on the coding strand, the complement: USH2A is on the minus strand). VCF-style: chr1-215680177-T-A. GRCh37 (hg19) VCF-style: chr1-215853519-T-A.
Other names: short protein forms E4089V.
Identifiers: ClinVar variation 1707037 (VCV001707037.2), dbSNP rs2464914520, ClinGen allele CA344815843.